The following is an entry in ClinVar:

NM_007194.4(CHEK2):c.998T>A (p.Leu333Ter)

Gene: CHEK2 (checkpoint kinase 2; minus strand). Cytogenetic location: 22q12.1.
Variant type: single nucleotide variant.
Coding change: c.998T>A on transcript NM_007194.4 (MANE Select); coding-DNA position 998, T replaced by A.
Protein change: p.Leu333Ter; replaces leucine 333 with a stop codon.
Molecular consequence: nonsense.
Genome position (GRCh38, 1-based): chr22:28,699,848, A>T on the plus strand (T>A on the coding strand, the complement: CHEK2 is on the minus strand). VCF-style: chr22-28699848-A-T. GRCh37 (hg19) VCF-style: chr22-29095836-A-T.
Other names: c.1127T>A, p.Leu376Ter (NM_001005735.3); c.335T>A, p.Leu112Ter (NM_001257387.3); c.797T>A, p.Leu266Ter (NM_001349956.3); c.998T>A, p.Leu333Ter (NM_145862.3); short protein forms L112*, L333*, L376*, L266*.
Identifiers: ClinVar variation 1456051 (VCV001456051.7), dbSNP rs2145841647, ClinGen allele CA411099388.

ClinVar aggregate classification (germline): Pathogenic (1 of 4 stars; one submission).

Conditions:
Familial cancer of breast. Also called: BREAST CANCER, FAMILIAL; hereditary breast carcinoma; Hereditary breast cancer. Identifiers: Orphanet 227535, MedGen C0346153, MONDO:0016419, OMIM 114480. Disease mechanism: loss of function.

Submission:

Labcorp Genetics (formerly Invitae), Labcorp
Classification: Pathogenic for Familial cancer of breast. Last evaluated: 2021-10-21. Review status: criteria provided, single submitter. Criteria: Invitae Variant Classification Sherloc (09022015). Collection method: clinical testing. Allele origin: germline.
Comment: This sequence change creates a premature translational stop signal (p.Leu333*) in the CHEK2 gene. It is expected to result in an absent or disrupted protein product. Loss-of-function variants in CHEK2 are known to be pathogenic (PMID: 21876083, 24713400). This variant is not present in population databases (ExAC no frequency). This variant has not been reported in the literature in individuals affected with CHEK2-related conditions. For these reasons, this variant has been classified as Pathogenic.

Literature cited by the submitters: PubMed 21876083; PubMed 24713400.